The following is an entry in ClinVar:

ClinVar aggregate classification (germline): Uncertain significance. Review status: criteria provided, multiple submitters, no conflicts (2 of 4 stars). 3 submissions from 3 submitters: Uncertain significance (2). 1 of the submissions does not count toward it. Last evaluated 2025-02-13.

Conditions:
Hereditary cancer-predisposing syndrome. Also called: Neoplastic Syndromes, Hereditary; Tumor predisposition; Hereditary Cancer Syndrome; Hereditary neoplastic syndrome. Identifiers: Orphanet 140162, MedGen C0027672, MeSH D009386, MONDO:0015356.
Hereditary nonpolyposis colorectal neoplasms. Identifiers: MedGen C0009405, MeSH D003123.

Submissions (3):

Labcorp Genetics (formerly Invitae), Labcorp
Classification: Uncertain significance for Hereditary nonpolyposis colorectal neoplasms. Last evaluated: 2025-02-13. Review status: criteria provided, single submitter. Criteria: Invitae Variant Classification Sherloc (09022015). Collection method: clinical testing. Allele origin: germline.
Comment: This sequence change replaces leucine, which is neutral and non-polar, with phenylalanine, which is neutral and non-polar, at codon 770 of the PMS2 protein (p.Leu770Phe). The frequency data for this variant in the population databases (gnomAD) is considered unreliable due to the presence of homologous sequence, such as pseudogenes or paralogs, in the genome. This variant has not been reported in the literature in individuals affected with PMS2-related conditions. ClinVar contains an entry for this variant (Variation ID: 651635). Invitae Evidence Modeling of protein sequence and biophysical properties (such as structural, functional, and spatial information, amino acid conservation, physicochemical variation, residue mobility, and thermodynamic stability) indicates that this missense variant is expected to disrupt PMS2 protein function with a positive predictive value of 80%. Algorithms developed to predict the effect of sequence changes on RNA splicing suggest that this variant may disrupt the consensus splice site. In summary, the available evidence is currently insufficient to determine the role of this variant in disease. Therefore, it has been classified as a Variant of Uncertain Significance.

Ambry Genetics
Classification: Uncertain significance for Hereditary cancer-predisposing syndrome. Last evaluated: 2025-02-03. Review status: criteria provided, single submitter. Criteria: Ambry Variant Classification Scheme 2023. Collection method: clinical testing. Allele origin: germline.
Comment: The p.L770F variant (also known as c.2310G>T), located in coding exon 14 of the PMS2 gene, results from a G to T substitution at nucleotide position 2310. The leucine at codon 770 is replaced by phenylalanine, an amino acid with highly similar properties. This amino acid position is highly conserved in available vertebrate species. In addition, this alteration is predicted to be deleterious by in silico analysis. Since supporting evidence is limited at this time, the clinical significance of this alteration remains unclear.

Genetic Services Laboratory, University of Chicago
Classification: Uncertain significance. Last evaluated: 2022-07-18. Review status: no assertion criteria provided. Collection method: clinical testing. Allele origin: germline. Affected: no. Not counted in ClinVar's aggregate classification.
Comment: DNA sequence analysis of the PMS2 gene demonstrated a sequence change, c.2310G>T, in exon 14 that results in an amino acid change, p.Leu770Phe. This sequence change does not appear to have been previously described in individuals with PMS2-related disorders and has also not been described in population databases such as ExAC and gnomAD. The p.Leu770Phe change affects a highly conserved amino acid residue located in a domain of the PMS2 protein that is known to be functional. In-silico pathogenicity prediction tools (SIFT, PolyPhen2, Align GVGD, REVEL) provide contradictory results for the p.Leu770Phe substitution. Due to insufficient evidences and the lack of functional studies, the clinical significance of the p.Leu770Phe change remains unknown at this time.

NM_000535.7(PMS2):c.2310G>T (p.Leu770Phe)

Gene: PMS2 (PMS1 homolog 2, mismatch repair system component; minus strand). Cytogenetic location: 7p22.1.
Variant type: single nucleotide variant.
Coding change: c.2310G>T on transcript NM_000535.7 (MANE Select); coding-DNA position 2310, G replaced by T.
Protein change: p.Leu770Phe; replaces leucine 770 with phenylalanine.
Molecular consequence: missense variant.
Genome position (GRCh38, 1-based): chr7:5,977,723, C>A on the plus strand (G>T on the coding strand, the complement: PMS2 is on the minus strand). VCF-style: chr7-5977723-C-A. GRCh37 (hg19) VCF-style: chr7-6017354-C-A.
Other names: c.1905G>T, p.Leu635Phe (NM_001322003.2, NM_001322004.2, NM_001322005.2); c.2154G>T, p.Leu718Phe (NM_001322006.2); c.1992G>T, p.Leu664Phe (NM_001322007.2, NM_001322008.2); c.1938G>T, p.Leu646Phe (NM_001322009.2); c.1749G>T, p.Leu583Phe (NM_001322010.2); c.1377G>T, p.Leu459Phe (NM_001322011.2, NM_001322012.2); c.1737G>T, p.Leu579Phe (NM_001322013.2); c.2343G>T, p.Leu781Phe (NM_001322014.2); and 2 more; short protein forms L583F, L646F, L770F, L781F, L459F, L667F, L718F, L579F.
Identifiers: ClinVar variation 651635 (VCV000651635.16), dbSNP rs1583281360, ClinGen allele CA366736050.